The following is an entry in ClinVar:

NM_002206.3(ITGA7):c.2003+10G>A

Gene: ITGA7 (integrin subunit alpha 7; minus strand). Cytogenetic location: 12q13.2.
Variant type: single nucleotide variant.
Coding change: c.2003+10G>A on transcript NM_002206.3 (MANE Select); 10 bases into the intron after coding-DNA position 2003, G replaced by A.
Molecular consequence: intron variant.
Genome position (GRCh38, 1-based): chr12:55,695,512, C>T on the plus strand (G>A on the coding strand, the complement: ITGA7 is on the minus strand). VCF-style: chr12-55695512-C-T. GRCh37 (hg19) VCF-style: chr12-56089296-C-T.
Other names: c.1724+10G>A (NM_001144997.2); c.1676+10G>A (NM_001367993.1); c.1664+10G>A (NM_001414035.1); c.1820+10G>A (NM_001414033.1); c.659+10G>A (NM_001367994.1); c.1883+10G>A (NM_001414032.1); c.1916+10G>A (NM_001414031.1); c.1985+10G>A (NM_001374465.1); and 5 more.
Identifiers: ClinVar variation 3049386 (VCV003049386.2), dbSNP rs1872441376, ClinGen allele CA2038039377.
Genomic context (GRCh38, chr12:55,695,512, plus strand): 5'-CTGAGAGGGCTTTCTCTCAATCCTTGAACTCTTGCCCTCCCACCCCCACCCTGCTCTCTG[C>T]CCCCCTCACATGGGCAGAGGTTGGAATTCCGTGTCGCTGACCCGGGTACAGAAGCGGGCG-3'

ClinVar aggregate classification (germline): Likely benign (0 of 4 stars; one submission).

Conditions:
ITGA7-related disorder. Also called: ITGA7-related condition.

Allele frequency attached by ClinVar (database versions not stated): TOPMed below 0.00001.
gnomAD v4.1: 3 of 1,489,338 alleles (0.0002%); highest among the groups gnomAD compares: Non-Finnish European, 0.00028%; no homozygotes.

Submission:

PreventionGenetics, part of Exact Sciences
Classification: Likely benign for ITGA7-related condition. Last evaluated: 2019-07-22. Review status: no assertion criteria provided. Collection method: clinical testing. Allele origin: germline.
Comment: This variant is classified as likely benign based on ACMG/AMP sequence variant interpretation guidelines (Richards et al. 2015 PMID: 25741868, with internal and published modifications).